The following is an entry in ClinVar:

NM_001844.5(COL2A1):c.3130G>A (p.Gly1044Ser)

Gene: COL2A1 (collagen type II alpha 1 chain; minus strand). Cytogenetic location: 12q13.11.
Variant type: single nucleotide variant.
Coding change: c.3130G>A on transcript NM_001844.5 (MANE Select); coding-DNA position 3130, G replaced by A.
Protein change: p.Gly1044Ser; replaces glycine 1044 with serine.
Molecular consequence: missense variant.
Genome position (GRCh38, 1-based): chr12:47,977,635, C>T on the plus strand (G>A on the coding strand, the complement: COL2A1 is on the minus strand). VCF-style: chr12-47977635-C-T. GRCh37 (hg19) VCF-style: chr12-48371418-C-T.
Other names: c.2923G>A, p.Gly975Ser (NM_033150.3); short protein forms G1044S, G975S.
Identifiers: ClinVar variation 1524150 (VCV001524150.8), dbSNP rs2136522924, ClinGen allele CA384540560.

ClinVar aggregate classification (germline): Likely pathogenic (1 of 4 stars; one submission).

Submission:

Labcorp Genetics (formerly Invitae), Labcorp
Classification: Likely pathogenic. Last evaluated: 2022-11-08. Review status: criteria provided, single submitter. Criteria: Invitae Variant Classification Sherloc (09022015). Collection method: clinical testing. Allele origin: germline.
Comment: In summary, the currently available evidence indicates that the variant is pathogenic, but additional data are needed to prove that conclusively. Therefore, this variant has been classified as Likely Pathogenic. This variant has not been reported in the literature in individuals affected with COL2A1-related conditions. This variant is not present in population databases (gnomAD no frequency). This sequence change replaces glycine, which is neutral and non-polar, with serine, which is neutral and polar, at codon 1044 of the COL2A1 protein (p.Gly1044Ser). This variant disrupts the triple helix domain of COL2A1. Glycine residues within the Gly-Xaa-Yaa repeats of the triple helix domain are required for the structure and stability of fibrillar collagens (PMID: 7695699, 8218237, 19344236). In COL2A1, variants affecting these glycine residues are significantly enriched in individuals with disease (PMID: 9016532, 17078022) compared to the general population (ExAC). Advanced modeling of protein sequence and biophysical properties (such as structural, functional, and spatial information, amino acid conservation, physicochemical variation, residue mobility, and thermodynamic stability) performed at Invitae indicates that this missense variant is expected to disrupt COL2A1 protein function. ClinVar contains an entry for this variant (Variation ID: 1524150).

Literature cited by the submitters: PubMed 7695699; PubMed 8218237; PubMed 19344236; PubMed 9016532; PubMed 17078022.